The following is an entry in ClinVar:

ClinVar aggregate classification (germline): Uncertain significance (1 of 4 stars; one submission).

Allele frequency attached by ClinVar (database versions not stated): gnomAD exomes below 0.00001; gnomAD 0.00001; TOPMed 0.00001.
gnomAD v4.1: 3 of 1,614,012 alleles (0.00019%); highest among the groups gnomAD compares: African/African-American, 0.004%; no homozygotes.

Submission:

GeneDx
Classification: Uncertain significance. Last evaluated: 2026-01-29. Review status: criteria provided, single submitter. Criteria: GeneDx Variant Classification Process June 2021. Collection method: clinical testing. Allele origin: germline. Affected: yes.
Comment: Not observed at significant frequency in large population cohorts (gnomAD); In silico analysis suggests that this missense variant does not alter protein structure/function; Has not been previously published as pathogenic or benign to our knowledge

NM_001371596.2(MFSD8):c.1130C>A (p.Thr377Asn)

Gene: MFSD8 (major facilitator superfamily domain containing 8; minus strand). Cytogenetic location: 4q28.2.
Variant type: single nucleotide variant.
Coding change: c.1130C>A on transcript NM_001371596.2 (MANE Select); coding-DNA position 1130, C replaced by A.
Protein change: p.Thr377Asn; replaces threonine 377 with asparagine.
Molecular consequence: missense variant.
Genome position (GRCh38, 1-based): chr4:127,921,744, G>T on the plus strand (C>A on the coding strand, the complement: MFSD8 is on the minus strand). VCF-style: chr4-127921744-G-T. GRCh37 (hg19) VCF-style: chr4-128842899-G-T.
Other names: c.929C>A, p.Thr310Asn (NM_001363520.3); c.815C>A, p.Thr272Asn (NM_001363521.3); c.995C>A, p.Thr332Asn (NM_001371590.2); c.1130C>A, p.Thr377Asn (NM_001371591.2, NM_152778.4); c.1136C>A, p.Thr379Asn (NM_001371592.2); c.1016C>A, p.Thr339Asn (NM_001371593.2); c.983C>A, p.Thr328Asn (NM_001371594.2); c.848C>A, p.Thr283Asn (NM_001371595.1); and 2 more; short protein forms T227N, T272N, T283N, T310N, T328N, T332N, T339N, T377N.
Identifiers: ClinVar variation 1711996 (VCV001711996.3), dbSNP rs1308436540, ClinGen allele CA358171424.
Genomic context (GRCh38, chr4:127,921,744, plus strand): 5'-CTTTCATTGTCATCTTCCATTGGAGACTTCCAAAGACCAATAATAATTTCCCCAAATGTG[G>T]TATTAGGGATTGAATTATTGTGCAAATCTGTAAAAACAAAACCATTGCAGTGCATTACTT-3'
Protein context (NP_001358525.1, residues 367-387): EDLHNNSIPN[Thr377Asn]TFGEIIIGLW